The following is an entry in ClinVar:

NM_022089.4(ATP13A2):c.1247_1251del (p.Pro416fs)

Gene: ATP13A2 (ATPase cation transporting 13A2; minus strand). Cytogenetic location: 1p36.13.
Variant type: Deletion.
Coding change: c.1247_1251del on transcript NM_022089.4 (MANE Select); coding-DNA positions 1247 to 1251, 5 bases deleted (CCATC; older notation c.1247_1251delCCATC).
Protein change: p.Pro416fs; shifts the reading frame from proline 416.
Molecular consequence: frameshift variant.
Genome position (GRCh38, 1-based): chr1:16,996,441-16,996,445, GATGG deleted on the plus strand (CCATC on the coding strand, the reverse complement: ATP13A2 is on the minus strand); deleting any 5 consecutive bases within chr1:16,996,441-16,996,446 gives the same sequence; the c. name uses the placement nearest the transcript's 3' end. VCF-style (leftmost placement, unchanged base first): chr1-16996440-TGATGG-T. GRCh37 (hg19) VCF-style: chr1-17322935-TGATGG-T.
Other names: c.1232_1236del, p.Pro411fs (NM_001141973.3, NM_001141974.3); short protein forms P411fs, P416fs.
Identifiers: ClinVar variation 4884080 (VCV004884080.2).

ClinVar aggregate classification (germline): Likely pathogenic (1 of 4 stars; one submission).

Submission:

Dasa
Classification: Likely pathogenic. Last evaluated: 2026-03-03. Review status: criteria provided, single submitter. Criteria: DASA Assertion Criteria. Collection method: clinical testing. Allele origin: germline.
Comment: NM_022089.4(ATP13A2):c.1247_1251del (p.Pro416Glnfs*6) is a frameshift variant in ATP13A2 predicted to alter the reading frame and introduce a premature termination codon and is predicted to result in an absent or altered protein product. Loss of function is an established disease mechanism for ATP13A2-associated disorders. Also, this variant is rare in population databases. Based on the currently available evidence, this variant is classified as likely pathogenic.